The following is an entry in ClinVar:

NM_004100.5(EYA4):c.994C>T (p.Pro332Ser)

Gene: EYA4 (EYA transcriptional coactivator and phosphatase 4; plus strand). Cytogenetic location: 6q23.2.
Variant type: single nucleotide variant.
Coding change: c.994C>T on transcript NM_004100.5 (MANE Select); coding-DNA position 994, C replaced by T.
Protein change: p.Pro332Ser; replaces proline 332 with serine.
Molecular consequence: missense variant.
Genome position (GRCh38, 1-based): chr6:133,481,486, C>T. VCF-style: chr6-133481486-C-T. GRCh37 (hg19) VCF-style: chr6-133802624-C-T.
Other names: c.832C>T, p.Pro278Ser (NM_001301012.2); c.1012C>T, p.Pro338Ser (NM_001301013.2); c.925C>T, p.Pro309Ser (NM_001370458.1, NM_172103.4); c.850C>T, p.Pro284Ser (NM_001370459.1); c.994C>T, p.Pro332Ser (NM_172105.4); short protein forms P278S, P284S, P338S, P309S, P332S.
Identifiers: ClinVar variation 639913 (VCV000639913.8), dbSNP rs1583410927, ClinGen allele CA365706350.

ClinVar aggregate classification (germline): Uncertain significance (1 of 4 stars; one submission).

Conditions:
Dilated cardiomyopathy 1J (CMD1J). Also called: CARDIOMYOPATHY, DILATED, WITH SENSORINEURAL HEARING LOSS, AUTOSOMAL DOMINANT. Identifiers: Orphanet 217622, MedGen C1854368, MONDO:0011541, OMIM 605362.

Allele frequency attached by ClinVar (database versions not stated): TOPMed 0.00001.

Submission:

Labcorp Genetics (formerly Invitae), Labcorp
Classification: Uncertain significance for Dilated cardiomyopathy 1J. Last evaluated: 2024-07-19. Review status: criteria provided, single submitter. Criteria: Invitae Variant Classification Sherloc (09022015). Collection method: clinical testing. Allele origin: germline.
Comment: This sequence change replaces proline, which is neutral and non-polar, with serine, which is neutral and polar, at codon 332 of the EYA4 protein (p.Pro332Ser). This variant is not present in population databases (gnomAD no frequency). This variant has not been reported in the literature in individuals affected with EYA4-related conditions. ClinVar contains an entry for this variant (Variation ID: 639913). Advanced modeling of protein sequence and biophysical properties (such as structural, functional, and spatial information, amino acid conservation, physicochemical variation, residue mobility, and thermodynamic stability) performed at Invitae indicates that this missense variant is not expected to disrupt EYA4 protein function with a negative predictive value of 80%. In summary, the available evidence is currently insufficient to determine the role of this variant in disease. Therefore, it has been classified as a Variant of Uncertain Significance.